The following is an entry in ClinVar:

NM_001370658.1(BTD):c.1192T>C (p.Cys398Arg)

Gene: BTD (biotinidase; plus strand). Cytogenetic location: 3p25.1.
Variant type: single nucleotide variant.
Coding change: c.1192T>C on transcript NM_001370658.1 (MANE Select); coding-DNA position 1192, T replaced by C.
Protein change: p.Cys398Arg; replaces cysteine 398 with arginine.
Molecular consequence: missense variant. On other transcripts: intron variant (2).
Genome position (GRCh38, 1-based): chr3:15,645,108, T>C. VCF-style: chr3-15645108-T-C. GRCh37 (hg19) VCF-style: chr3-15686615-T-C.
Other names: c.1252T>C, p.Cys418Arg (NM_000060.4); c.1192T>C, p.Cys398Arg (NM_001281723.4, NM_001281724.3, NM_001281725.3 and 16 more transcripts); c.1015+177T>C (NM_001370752.1); c.399+3051T>C (NM_001370753.1); short protein forms C398R.
Identifiers: ClinVar variation 25069 (VCV000025069.19), dbSNP rs397514408, ClinGen allele CA278305.

ClinVar aggregate classification (germline): Pathogenic/Likely pathogenic. Review status: criteria provided, multiple submitters, no conflicts (2 of 4 stars). 6 submissions from 6 submitters: Pathogenic (2); Likely pathogenic (3). 1 of the submissions does not count toward it. Last evaluated 2025-12-02.

Conditions:
Biotinidase deficiency. Also called: Biotin deficiency; BTD deficiency; Late-onset biotin-responsive multiple carboxylase deficiency. Identifiers: Orphanet 79241, MedGen C0220754, MONDO:0009665, OMIM 253260.

gnomAD v4.1: 1 of 1,614,188 alleles (0.000062%); no homozygotes.

Submissions (6):

Labcorp Genetics (formerly Invitae), Labcorp
Classification: Pathogenic for Biotinidase deficiency. Last evaluated: 2025-12-02. Review status: criteria provided, single submitter. Criteria: Invitae Variant Classification Sherloc (09022015). Collection method: clinical testing. Allele origin: germline.
Comment: This sequence change replaces cysteine, which is neutral and slightly polar, with arginine, which is basic and polar, at codon 418 of the BTD protein (p.Cys418Arg). This variant is not present in population databases (gnomAD no frequency). This missense change has been observed in individual(s) with biotinidase deficiency (PMID: 26810761, 27329734; internal data). In at least one individual the data is consistent with being in trans (on the opposite chromosome) from a pathogenic variant. ClinVar contains an entry for this variant (Variation ID: 25069). Invitae Evidence Modeling of protein sequence and biophysical properties (such as structural, functional, and spatial information, amino acid conservation, physicochemical variation, residue mobility, and thermodynamic stability) indicates that this missense variant is expected to disrupt BTD protein function with a positive predictive value of 95%. This variant disrupts the p.Cys418 amino acid residue in BTD. Other variant(s) that disrupt this residue have been observed in individuals with BTD-related conditions (PMID: 14707518), which suggests that this may be a clinically significant amino acid residue. For these reasons, this variant has been classified as Pathogenic.

Fulgent Genetics
Classification: Pathogenic for Biotinidase deficiency. Last evaluated: 2024-04-12. Review status: criteria provided, single submitter. Criteria: ACMG Guidelines, 2015. Collection method: clinical testing. Allele origin: germline.

Baylor Genetics
Classification: Likely pathogenic for Biotinidase deficiency. Last evaluated: 2024-01-25. Review status: criteria provided, single submitter. Criteria: ACMG Guidelines, 2015. Collection method: clinical testing. Allele origin: unknown.

Department of Pathology and Laboratory Medicine, Sinai Health System
Classification: Likely pathogenic for Biotinidase deficiency. Last evaluated: 2023-12-11. Review status: criteria provided, single submitter. Criteria: ACMG Guidelines, 2015. Collection method: research. Allele origin: germline.

Juno Genomics, Hangzhou Juno Genomics, Inc
Classification: Likely pathogenic for Biotinidase deficiency. Review status: criteria provided, single submitter. Criteria: ACMG Guidelines, 2015. Collection method: clinical testing. Allele origin: germline.
Comment: Absent from controls (or at extremely low frequency if recessive) in Genome Aggregation Database.;Multiple lines of computational evidence support a deleterious effect on the gene or gene product.;For recessive disorders, detected in trans with a pathogenic variant.;Patient's phenotype or family history is highly specific for a disease with a single genetic etiology.

Counsyl
Classification: Uncertain significance for Biotinidase deficiency. Last evaluated: 2018-03-27. Review status: no assertion criteria provided. Collection method: clinical testing. Allele origin: unknown. Not counted in ClinVar's aggregate classification.

Literature cited by the submitters: PubMed 26810761 (cited by Labcorp Genetics (formerly Invitae), Labcorp and Counsyl); PubMed 27329734 (cited by Labcorp Genetics (formerly Invitae), Labcorp and Counsyl); PubMed 14707518 (cited by Labcorp Genetics (formerly Invitae), Labcorp).